The following is an entry in ClinVar:

ClinVar aggregate classification (germline): Likely pathogenic (1 of 4 stars; one submission).

Conditions:
Retinitis pigmentosa 93. Identifiers: MedGen C5676970, MONDO:0030797, OMIM 619845.
COACH syndrome 2. Identifiers: MedGen C5436837, MONDO:0030859, OMIM 619111.
Meckel syndrome, type 6. Identifiers: Orphanet 564, MedGen C2676790, MONDO:0012848, OMIM 612284.
Joubert syndrome 9 (JBTS9). Identifiers: Orphanet 2318, MedGen C2676788, MONDO:0012849, OMIM 612285.

Submission:

Juno Genomics, Hangzhou Juno Genomics, Inc
Classification: Likely pathogenic for COACH syndrome 2; Joubert syndrome 9; Meckel syndrome, type 6; Retinitis pigmentosa 93. Review status: criteria provided, single submitter. Criteria: ACMG Guidelines, 2015. Collection method: clinical testing. Allele origin: germline. Affected: yes.
Comment: Absent from controls (or at extremely low frequency if recessive) in Genome Aggregation Database, Exome Sequencing Project, 1000 Genomes Project, or Exome Aggregation Consortium.;Null variant in a gene where loss of function (LOF) is a known mechanism of disease.

NM_001378615.1(CC2D2A):c.2440dup (p.Ile814fs)

Genes: CC2D2A (coiled-coil and C2 domain containing 2A; plus strand), FBXL5 (F-box and leucine rich repeat protein 5; minus strand). Cytogenetic location: 4p15.32.
Variant type: Duplication.
Coding change: c.2440dup on transcript NM_001378615.1 (MANE Select); coding-DNA position 2440, one base duplicated (A; older notation c.2440dupA).
Protein change: p.Ile814fs; shifts the reading frame from isoleucine 814.
Molecular consequence: frameshift variant.
Genome position (GRCh38, 1-based): chr4:15,553,259, A duplicated. VCF-style (leftmost placement, unchanged base first): chr4-15553258-G-GA. GRCh37 (hg19) VCF-style: chr4-15554881-G-GA.
Other names: c.2293dup, p.Ile765fs (NM_001378617.1); c.2440dup, p.Ile814fs (NM_001080522.2); short protein forms I765fs, I814fs.
Identifiers: ClinVar variation 3382371 (VCV003382371.2).